The following is an entry in ClinVar:

ClinVar aggregate classification (germline): Pathogenic. Review status: criteria provided, multiple submitters, no conflicts (2 of 4 stars). 2 submissions from 2 submitters: Pathogenic (2). Last evaluated 2024-09-03.

Conditions:
Bloom syndrome (BLM). Also called: Bloom-Torre-Machacek syndrome. Identifiers: Orphanet 125, MedGen C0005859, MONDO:0008876, OMIM 210900.

Submissions (2):

Greenwood Genetic Center Diagnostic Laboratories, Greenwood Genetic Center
Classification: Pathogenic for Bloom syndrome. Last evaluated: 2024-09-03. Review status: criteria provided, single submitter. Criteria: ACMG Guidelines, 2015. Collection method: clinical testing. Allele origin: germline. Affected: yes.
Comment: PVS1, PM2, PM3_Supporting

Women's Health and Genetics/Laboratory Corporation of America, LabCorp
Classification: Pathogenic for Bloom syndrome. Last evaluated: 2022-05-04. Review status: criteria provided, single submitter. Criteria: LabCorp Variant Classification Summary - May 2015. Collection method: clinical testing. Allele origin: germline.
Comment: Variant summary: BLM c.1346delC (p.Ser449LeufsX2) results in a premature termination codon, predicted to cause a truncation of the encoded protein or absence of the protein due to nonsense mediated decay, which are commonly known mechanisms for disease. Truncations downstream of this position have been classified as pathogenic by our laboratory. The variant was absent in 251256 control chromosomes. c.1346delC has been reported in the literature in at least one individual affected with Bloom Syndrome in homozygous state. These data indicate that the variant may be associated with disease. To our knowledge, no experimental evidence demonstrating an impact on protein function has been reported. No clinical diagnostic laboratories have submitted clinical-significance assessments for this variant to ClinVar after 2014. Based on the evidence outlined above, the variant was classified as pathogenic.

Literature cited by the submitters: PubMed 17407155 (cited by Women's Health and Genetics/Laboratory Corporation of America, LabCorp).

NM_000057.4(BLM):c.1346del (p.Ser449fs)

Gene: BLM (BLM RecQ like helicase; plus strand). Cytogenetic location: 15q26.1.
Variant type: Deletion.
Coding change: c.1346del on transcript NM_000057.4 (MANE Select); coding-DNA position 1346, one base deleted (C; older notation c.1346delC).
Protein change: p.Ser449fs; shifts the reading frame from serine 449.
Molecular consequence: frameshift variant.
Genome position (GRCh38, 1-based): chr15:90,760,719, C deleted. VCF-style (leftmost placement, unchanged base first): chr15-90760718-TC-T. GRCh37 (hg19) VCF-style: chr15-91303948-TC-T.
Other names: c.1346del, p.Ser449fs (NM_001287246.2, NM_001287247.2); c.221del, p.Ser74fs (NM_001287248.2); short protein forms S449fs, S74fs.
Identifiers: ClinVar variation 1696270 (VCV001696270.2), dbSNP rs2151158066, ClinGen allele CA2580090270.
Genomic context (GRCh38, chr15:90,760,718, plus strand): 5'-AGATACAGGCCTGATTCACTTGATGGCCCTATGGAGGGTGATTCCTGCCCTACAGGGAAT[TC>T]TATGAAGGAGTTAAATTTTTCACACCTTCCCTCAAATTCTGTTTCTCCTGGGGACTGTTT-3'